The following is an entry in ClinVar:

NM_000051.4(ATM):c.6234C>T (p.Ser2078=)

Genes: ATM (ATM serine/threonine kinase; plus strand), C11orf65 (chromosome 11 open reading frame 65; minus strand). Cytogenetic location: 11q22.3.
Variant type: single nucleotide variant.
Coding change: c.6234C>T on transcript NM_000051.4 (MANE Select); coding-DNA position 6234, C replaced by T.
Protein change: p.Ser2078=; no amino-acid change (serine 2078 retained).
Molecular consequence: synonymous variant. On other transcripts: intron variant (2).
Genome position (GRCh38, 1-based): chr11:108,317,408, C>T. VCF-style: chr11-108317408-C-T. GRCh37 (hg19) VCF-style: chr11-108188135-C-T.
Other names: c.6234C>T, p.Ser2078= (NM_001351834.2); c.641-8337G>A (NM_001330368.2); c.*39-8337G>A (NM_001351110.2).
Identifiers: ClinVar variation 184079 (VCV000184079.45), dbSNP rs569483748, ClinGen allele CA187719.

ClinVar aggregate classification (germline): Conflicting classifications of pathogenicity. Review status: criteria provided, conflicting classifications (1 of 4 stars). 13 submissions from 13 submitters: Uncertain significance (2); Benign (2); Likely benign (8). 1 of the submissions does not count toward it. Last evaluated 2026-03-01.

Conditions:
Breast and/or ovarian cancer. Identifiers: MedGen CN221562.
Hereditary cancer-predisposing syndrome. Also called: Hereditary Cancer Syndrome; Tumor predisposition; Neoplastic Syndromes, Hereditary; Hereditary neoplastic syndrome. Identifiers: Orphanet 140162, MedGen C0027672, MeSH D009386, MONDO:0015356.
Familial cancer of breast. Also called: hereditary breast carcinoma; BREAST CANCER, FAMILIAL; Hereditary breast cancer. Identifiers: Orphanet 227535, MedGen C0346153, MONDO:0016419, OMIM 114480. Disease mechanism: loss of function.
Ataxia-telangiectasia syndrome (AT). Also called: ATAXIA-TELANGIECTASIA, COMPLEMENTATION GROUP A; ATAXIA-TELANGIECTASIA, FRESNO VARIANT; Ataxia-telangiectasia; Ataxia-telangiectasia, complementation group E; Cerebello-oculocutaneous telangiectasia; Immunodeficiency with ataxia telangiectasia. Identifiers: Orphanet 100, MedGen C0004135, MONDO:0008840, OMIM 208900.

Allele frequency attached by ClinVar (database versions not stated): ExAC 0.00007; TOPMed 0.00002; gnomAD exomes 0.00004 and 0.00009; 1000 Genomes Project 30x 0.00016; 1000 Genomes Project 0.00020; gnomAD 0.00003.
gnomAD v4.1: 136 of 1,611,662 alleles (0.0084%); highest among the groups gnomAD compares: Middle Eastern, 0.017%; no homozygotes.

Submissions (13):

CeGaT Center for Human Genetics Tuebingen
Classification: Likely benign. Last evaluated: 2026-03-01. Review status: criteria provided, single submitter. Criteria: CeGaT Center For Human Genetics Tuebingen Variant Classification Criteria Version 2. Collection method: clinical testing. Allele origin: germline. Affected: yes. Observed: 2 variant alleles.
Comment: ATM: BP4, BP7

Labcorp Genetics (formerly Invitae), Labcorp
Classification: Likely benign for Ataxia-telangiectasia syndrome. Last evaluated: 2026-01-26. Review status: criteria provided, single submitter. Criteria: Invitae Variant Classification Sherloc (09022015). Collection method: clinical testing. Allele origin: germline.

Quest Diagnostics Nichols Institute San Juan Capistrano
Classification: Likely benign. Last evaluated: 2025-08-05. Review status: criteria provided, single submitter. Criteria: Quest Diagnostics criteria. Collection method: clinical testing. Allele origin: unknown.

Blueprint Genetics
Classification: Likely benign. Last evaluated: 2024-08-11. Review status: criteria provided, single submitter. Criteria: ACMG Guidelines, 2015. Collection method: clinical testing. Allele origin: germline.

Myriad Genetics, Inc.
Classification: Benign for Familial cancer of breast. Last evaluated: 2024-06-05. Review status: criteria provided, single submitter. Criteria: Myriad Autosomal Dominant, Autosomal Recessive and X-Linked Classification Criteria (2023). Collection method: clinical testing. Allele origin: unknown.
Comment: This variant is considered benign. This variant is a silent/synonymous amino acid change and it is not expected to impact splicing.

Women's Health and Genetics/Laboratory Corporation of America, LabCorp
Classification: Likely benign. Last evaluated: 2023-12-10. Review status: criteria provided, single submitter. Criteria: LabCorp Variant Classification Summary - May 2015. Collection method: clinical testing. Allele origin: germline.

CHEO Genetics Diagnostic Laboratory, Children's Hospital of Eastern Ontario
Classification: Likely benign for Breast and/or ovarian cancer. Last evaluated: 2023-06-19. Review status: criteria provided, single submitter. Criteria: ACMG Guidelines, 2015. Collection method: clinical testing. Allele origin: germline.

Ambry Genetics
Classification: Likely benign for Hereditary cancer-predisposing syndrome. Last evaluated: 2022-06-01. Review status: criteria provided, single submitter. Criteria: Ambry Variant Classification Scheme 2023. Collection method: clinical testing. Allele origin: germline.

Illumina Laboratory Services, Illumina
Classification: Uncertain significance for Ataxia-telangiectasia syndrome. Last evaluated: 2018-01-13. Review status: criteria provided, single submitter. Criteria: ICSL Variant Classification Criteria 13 December 2019. Collection method: clinical testing. Allele origin: germline.

Eurofins Ntd Llc (ga)
Classification: Uncertain significance. Last evaluated: 2016-10-27. Review status: criteria provided, single submitter. Criteria: EGL Classification Definitions 2015. Collection method: clinical testing. Allele origin: germline. Observed: 1 variant allele, 1 heterozygote.

Color Diagnostics, LLC DBA Color Health
Classification: Likely benign for Hereditary cancer-predisposing syndrome. Last evaluated: 2016-07-27. Review status: criteria provided, single submitter. Criteria: ACMG Guidelines, 2015. Collection method: clinical testing. Allele origin: germline.

GeneDx
Classification: Benign. Last evaluated: 2015-03-19. Review status: criteria provided, single submitter. Criteria: GeneDx Variant Classification (06012015). Collection method: clinical testing. Allele origin: germline. Affected: yes.
Comment: This variant is considered likely benign or benign based on one or more of the following criteria: it is a conservative change, it occurs at a poorly conserved position in the protein, it is predicted to be benign by multiple in silico algorithms, and/or has population frequency not consistent with disease.

Department of Pathology and Laboratory Medicine, Sinai Health System
Classification: Likely benign. Review status: no assertion criteria provided. Collection method: clinical testing. Allele origin: unknown. Affected: yes. Observed: 2 variant alleles. Study: The Canadian Open Genetics Repository (COGR). Not counted in ClinVar's aggregate classification.
Comment: The ATM p.Ser2078= variant was not identified in the literature nor was it identified in the LOVD 3.0 database. The variant was identified in dbSNP (ID: rs569483748) as "With other allele" and ClinVar (classified a benign by GeneDx; and as likely benign by Invitae, Ambry Genetics and two other submitters). The variant was identified in control databases in 9 of 246160 chromosomes at a frequency of 0.00004 (Genome Aggregation Database Feb 27, 2017). The variant was observed in the following populations: African in 1 of 15298 chromosomes (freq: 0.00007), European in 7 of 111662 chromosomes (freq: 0.00006), and South Asian in 1 of 30780 chromosomes (freq: 0.00003), while the variant was not observed in the Other, Latino, Ashkenazi Jewish, East Asian, or Finnish populations. The p.Ser2078= variant is not expected to have clinical significance because it does not result in a change of amino acid and is not located in a known consensus splice site. In addition, in silico or computational prediction software programs (SpliceSiteFinder, MaxEntScan, NNSPLICE, GeneSplicer) do not predict a difference in splicing. In summary, based on the above information, the clinical significance of this variant cannot be determined with certainty at this time although we would lean towards a more benign role for this variant. This variant is classified as likely benign.

Literature cited by the submitters: PubMed 28779002 (cited by Ambry Genetics).